The following is an entry in ClinVar:

NM_014321.4(ORC6):c.257_258del (p.Ser85_Phe86insTer)

Gene: ORC6 (origin recognition complex subunit 6; plus strand). Cytogenetic location: 16q11.2.
Variant type: Deletion.
Coding change: c.257_258del on transcript NM_014321.4 (MANE Select); coding-DNA positions 257 to 258, 2 bases deleted (TT; older notation c.257_258delTT).
Protein change: p.Ser85_Phe86insTer.
Molecular consequence: nonsense. On other transcripts: non-coding transcript variant (1).
Genome position (GRCh38, 1-based): chr16:46,692,443-46,692,444, TT deleted; deleting any 2 consecutive bases within chr16:46,692,441-46,692,444 gives the same sequence; the c. name uses the placement nearest the transcript's 3' end. VCF-style (leftmost placement, unchanged base first): chr16-46692440-CTT-C. GRCh37 (hg19) VCF-style: chr16-46726352-CTT-C.
Other names: c.257_258del (NM_014321.3).
Identifiers: ClinVar variation 30655 (VCV000030655.7), dbSNP rs786205258, ClinGen allele CA213034.

ClinVar aggregate classification (germline): Pathogenic/Likely pathogenic. Review status: criteria provided, multiple submitters, no conflicts (2 of 4 stars). 4 submissions from 4 submitters: Pathogenic (2); Likely pathogenic (1). 1 of the submissions does not count toward it. Last evaluated 2020-03-23.

Conditions:
ORC6-related disorders.
Meier-Gorlin syndrome 3 (MGORS3). Identifiers: Orphanet 2554, MedGen C3151113, MONDO:0013430, OMIM 613803.

Submissions (4):

Blueprint Genetics
Classification: Likely pathogenic for ORC6-related disorders. Last evaluated: 2020-03-23. Review status: criteria provided, single submitter. Criteria: ACMG Guidelines, 2015. Collection method: clinical testing. Allele origin: germline. Affected: yes. Observed: 1 variant allele.

Genomic Research Center, Shahid Beheshti University of Medical Sciences
Classification: Pathogenic for Meier-Gorlin syndrome 3. Last evaluated: 2018-08-07. Review status: criteria provided, single submitter. Criteria: ACMG Guidelines, 2015. Collection method: clinical testing. Allele origin: inherited. Affected: yes. Observed: 1 variant allele.

Bicknell laboratory, University of Otago
Classification: Pathogenic for Meier-Gorlin syndrome 3. Review status: criteria provided, single submitter. Criteria: ACMG Guidelines, 2015. Collection method: research. Allele origin: inherited. Affected: yes.
Comment: Occurred as compound het with c.695A>C

OMIM
Classification: Pathogenic for MEIER-GORLIN SYNDROME 3. Last evaluated: 2011-02-27. Review status: no assertion criteria provided. Collection method: literature only. Allele origin: germline. Not counted in ClinVar's aggregate classification.

Literature cited by the submitters: PubMed 21358632 (cited by Bicknell laboratory, University of Otago and OMIM); PubMed 7710253 (cited by OMIM).